The following is an entry in ClinVar:

ClinVar aggregate classification (germline): Uncertain significance (1 of 4 stars; one submission).

Conditions:
Tay-Sachs disease (TSD). Also called: HEXA DEFICIENCY; GM2 gangliosidosis, type 1; Hexosaminidase alpha-subunit deficiency (variant B); Sphingolipidosis, Tay-Sachs; Hexosaminidase A Deficiency; HEXA Disorders. Identifiers: Orphanet 845, MedGen C0039373, MONDO:0010100, OMIM 272800.

Allele frequency attached by ClinVar (database versions not stated): gnomAD exomes below 0.00001.

Submission:

Labcorp Genetics (formerly Invitae), Labcorp
Classification: Uncertain significance for Tay-Sachs disease. Last evaluated: 2020-12-09. Review status: criteria provided, single submitter. Criteria: Invitae Variant Classification Sherloc (09022015). Collection method: clinical testing. Allele origin: germline.
Comment: In summary, the available evidence is currently insufficient to determine the role of this variant in disease. Therefore, it has been classified as a Variant of Uncertain Significance. Algorithms developed to predict the effect of missense changes on protein structure and function are either unavailable or do not agree on the potential impact of this missense change (SIFT: "Tolerated"; PolyPhen-2: "Probably Damaging"; Align-GVGD: "Class C0"). This variant has not been reported in the literature in individuals with HEXA-related conditions. This variant is not present in population databases (ExAC no frequency). This sequence change replaces glutamic acid with aspartic acid at codon 456 of the HEXA protein (p.Glu456Asp). The glutamic acid residue is highly conserved and there is a small physicochemical difference between glutamic acid and aspartic acid.

NM_000520.6(HEXA):c.1368G>C (p.Glu456Asp)

Gene: HEXA (hexosaminidase subunit alpha; minus strand). Cytogenetic location: 15q23.
Variant type: single nucleotide variant.
Coding change: c.1368G>C on transcript NM_000520.6 (MANE Select); coding-DNA position 1368, G replaced by C.
Protein change: p.Glu456Asp; replaces glutamic acid 456 with aspartic acid.
Molecular consequence: missense variant. On other transcripts: non-coding transcript variant (1).
Genome position (GRCh38, 1-based): chr15:72,346,288, C>G on the plus strand (G>C on the coding strand, the complement: HEXA is on the minus strand). VCF-style: chr15-72346288-C-G. GRCh37 (hg19) VCF-style: chr15-72638629-C-G.
Other names: c.1401G>C, p.Glu467Asp (NM_001318825.2); short protein forms E456D, E467D.
Identifiers: ClinVar variation 1465412 (VCV001465412.6), dbSNP rs2140320322, ClinGen allele CA393059262.